The following is an entry in ClinVar:

NM_000548.5(TSC2):c.991A>G (p.Asn331Asp)

Gene: TSC2 (TSC complex subunit 2; plus strand). Cytogenetic location: 16p13.3.
Variant type: single nucleotide variant.
Coding change: c.991A>G on transcript NM_000548.5 (MANE Select); coding-DNA position 991, A replaced by G.
Protein change: p.Asn331Asp; replaces asparagine 331 with aspartic acid.
Molecular consequence: missense variant.
Genome position (GRCh38, 1-based): chr16:2,060,685, A>G. VCF-style: chr16-2060685-A-G. GRCh37 (hg19) VCF-style: chr16-2110686-A-G.
Other names: c.991A>G, p.Asn331Asp (NM_001077183.3, NM_001114382.3, NM_001363528.2 and 3 more transcripts); c.880A>G, p.Asn294Asp (NM_001318827.2); c.844A>G, p.Asn282Asp (NM_001318829.2); c.391A>G, p.Asn131Asp (NM_001318831.2); c.1024A>G, p.Asn342Asp (NM_001318832.2); short protein forms N331D, N131D, N294D, N282D, N342D.
Identifiers: ClinVar variation 406128 (VCV000406128.10), dbSNP rs1060500974, ClinGen allele CA16614698.
Genomic context (GRCh38, chr16:2,060,685, plus strand): 5'-AGCAAGCAGCTCTGACCCTGTGTGCTGGCCGGGCTCGTGTTCCAGGCCATGGCATGTCCG[A>G]ACGAGGTGGTGTCCTATGAGATCGTCCTGTCCATCACCAGGCTCATCAAGAAGTATAGGA-3'
Protein context (NP_000539.2, residues 321-341): PSFYQAMACP[Asn331Asp]EVVSYEIVLS

ClinVar aggregate classification (germline): Conflicting classifications of pathogenicity. Review status: criteria provided, conflicting classifications (1 of 4 stars). 3 submissions from 3 submitters: Uncertain significance (2); Benign (1). Last evaluated 2026-03-23.

Conditions:
Tuberous sclerosis 2 (TSC2). Identifiers: Orphanet 805, MedGen C1860707, MONDO:0013199, OMIM 613254.
Hereditary cancer-predisposing syndrome. Also called: Tumor predisposition; Neoplastic Syndromes, Hereditary; Hereditary Cancer Syndrome; Hereditary neoplastic syndrome. Identifiers: Orphanet 140162, MedGen C0027672, MeSH D009386, MONDO:0015356.

Allele frequency attached by ClinVar (database versions not stated): gnomAD exomes below 0.00001.
gnomAD v4.1: 3 of 1,614,056 alleles (0.00019%); highest among the groups gnomAD compares: Non-Finnish European, 0.00017%; no homozygotes.

Submissions (3):

GeneDx
Classification: Uncertain significance. Last evaluated: 2026-03-23. Review status: criteria provided, single submitter. Criteria: GeneDx Variant Classification Process June 2021. Collection method: clinical testing. Allele origin: germline.
Comment: In silico analysis supports that this missense variant has a deleterious effect on protein structure/function; Has not been previously published as pathogenic or benign to our knowledge; This variant is associated with the following publications: (PMID: 18466115)

Labcorp Genetics (formerly Invitae), Labcorp
Classification: Benign for Tuberous sclerosis 2. Last evaluated: 2025-11-17. Review status: criteria provided, single submitter. Criteria: Invitae Variant Classification Sherloc (09022015). Collection method: clinical testing. Allele origin: germline.

Ambry Genetics
Classification: Uncertain significance for Hereditary cancer-predisposing syndrome. Last evaluated: 2024-11-21. Review status: criteria provided, single submitter. Criteria: Ambry Variant Classification Scheme 2023. Collection method: clinical testing. Allele origin: germline.
Comment: The p.N331D variant (also known as c.991A>G), located in coding exon 10 of the TSC2 gene, results from an A to G substitution at nucleotide position 991. The asparagine at codon 331 is replaced by aspartic acid, an amino acid with highly similar properties. This amino acid position is conserved. In addition, the in silico prediction for this alteration is inconclusive. Based on the available evidence, the clinical significance of this variant remains unclear.